The following is an entry in ClinVar:

ClinVar aggregate classification (germline): Uncertain significance (1 of 4 stars; one submission).

gnomAD v4.1: 2 of 1,614,008 alleles (0.00012%); highest among the groups gnomAD compares: Non-Finnish European, 0.00017%; no homozygotes.

Submission:

Ambry Genetics
Classification: Uncertain significance. Last evaluated: 2025-10-24. Review status: criteria provided, single submitter. Criteria: Ambry Variant Classification Scheme 2023. Collection method: clinical testing. Allele origin: germline.
Comment: The c.1375T>C (p.Y459H) alteration is located in exon 2 (coding exon 1) of the AOC1 gene. This alteration results from a T to C substitution at nucleotide position 1375, causing the tyrosine (Y) at amino acid position 459 to be replaced by a histidine (H). Based on data from gnomAD, the C allele has an overall frequency of <0.001% (1/249456) total alleles studied. The highest observed frequency was 0.001% (1/113254) of European (non-Finnish) alleles. Based on insufficient or conflicting evidence, the clinical significance of this alteration remains unclear.

NM_001091.4(AOC1):c.1375T>C (p.Tyr459His)

Gene: AOC1 (amine oxidase copper containing 1; plus strand). Cytogenetic location: 7q36.1.
Variant type: single nucleotide variant.
Coding change: c.1375T>C on transcript NM_001091.4 (MANE Select); coding-DNA position 1375, T replaced by C.
Protein change: p.Tyr459His; replaces tyrosine 459 with histidine.
Molecular consequence: missense variant.
Genome position (GRCh38, 1-based): chr7:150,857,845, T>C. VCF-style: chr7-150857845-T-C. GRCh37 (hg19) VCF-style: chr7-150554933-T-C.
Other names: c.1375T>C, p.Tyr459His (NM_001272072.2); short protein forms Y459H.
Identifiers: ClinVar variation 4641353 (VCV004641353.1).
Genomic context (GRCh38, chr7:150,857,845, plus strand): 5'-TTCAACTTCTATGCGGGGCTGAAGGGCCAGGTGCTGGTGCTGCGGACAACTTCAACTGTC[T>C]ACAATTATGATTACATTTGGGACTTTATCTTCTACCCCAACGGGGTGATGGAGGCCAAGA-3'
Protein context (NP_001082.2, residues 449-469): VLVLRTTSTV[Tyr459His]NYDYIWDFIF